The following is an entry in ClinVar:

NM_020831.6(MRTFA):c.2746_2757dup (p.Glu919_Ser920insAspPheLeuGlu)

Gene: MRTFA (myocardin related transcription factor A; minus strand). Cytogenetic location: 22q13.1.
Variant type: Duplication.
Coding change: c.2746_2757dup on transcript NM_020831.6 (MANE Select); coding-DNA positions 2746 to 2757, 12 bases duplicated (GACTTCCTGGAG).
Protein change: p.Glu919_Ser920insAspPheLeuGlu.
Molecular consequence: inframe insertion. On other transcripts: 3 prime UTR variant (1).
Genome position (GRCh38, 1-based): chr22:40,411,729-40,411,740, CTCCAGGAAGTC duplicated on the plus strand (GACTTCCTGGAG on the coding strand, the reverse complement: MRTFA is on the minus strand); duplicating any 12 consecutive bases within chr22:40,411,729-40,411,747 gives the same sequence; the c. name uses the placement nearest the transcript's 3' end. VCF-style (leftmost placement, unchanged base first): chr22-40411728-T-TCTCCAGGAAGTC. GRCh37 (hg19) VCF-style: chr22-40807732-T-TCTCCAGGAAGTC.
Other names: c.2446_2457dup, p.Glu819_Ser820insAspPheLeuGlu (NM_001282660.2); c.2596_2607dup, p.Glu869_Ser870insAspPheLeuGlu (NM_001282661.3); c.*59_*70dup (NM_001282662.3); c.2551_2562dup, p.Glu854_Ser855insAspPheLeuGlu (NM_001318139.2).
Identifiers: ClinVar variation 2723814 (VCV002723814.3), dbSNP rs757665049, ClinGen allele CA10249221.

ClinVar aggregate classification (germline): Uncertain significance (1 of 4 stars; one submission).

Submission:

Labcorp Genetics (formerly Invitae), Labcorp
Classification: Uncertain significance. Last evaluated: 2025-01-30. Review status: criteria provided, single submitter. Criteria: Invitae Variant Classification Sherloc (09022015). Collection method: clinical testing. Allele origin: germline.
Comment: This variant, c.2446_2457dup, results in the insertion of 4 amino acid(s) of the MKL1 protein (p.Asp816_Glu819dup), but otherwise preserves the integrity of the reading frame. This variant is present in population databases (rs757665049, gnomAD 0.004%). This variant has not been reported in the literature in individuals affected with MKL1-related conditions. ClinVar contains an entry for this variant (Variation ID: 2723814). In summary, the available evidence is currently insufficient to determine the role of this variant in disease. Therefore, it has been classified as a Variant of Uncertain Significance.